The following is an entry in ClinVar:

ClinVar aggregate classification (germline): Uncertain significance (1 of 4 stars; one submission).

Conditions:
Cardiovascular phenotype. Identifiers: MedGen CN230736.

Submission:

Ambry Genetics
Classification: Uncertain significance for Cardiovascular phenotype. Last evaluated: 2023-06-10. Review status: criteria provided, single submitter. Criteria: Ambry Variant Classification Scheme 2023. Collection method: clinical testing. Allele origin: germline.
Comment: The p.E632D variant (also known as c.1896G>C), located in coding exon 16 of the RAF1 gene, results from a G to C substitution at nucleotide position 1896. The glutamic acid at codon 632 is replaced by aspartic acid, an amino acid with highly similar properties. This amino acid position is conserved. In addition, this alteration is predicted to be tolerated by in silico analysis. Since supporting evidence is limited at this time, the clinical significance of this alteration remains unclear.

NM_002880.4(RAF1):c.1896G>C (p.Glu632Asp)

Gene: RAF1 (Raf-1 proto-oncogene, serine/threonine kinase; minus strand). Cytogenetic location: 3p25.2.
Variant type: single nucleotide variant.
Coding change: c.1896G>C on transcript NM_002880.4 (MANE Select); coding-DNA position 1896, G replaced by C.
Protein change: p.Glu632Asp; replaces glutamic acid 632 with aspartic acid.
Molecular consequence: missense variant. On other transcripts: non-coding transcript variant (3).
Genome position (GRCh38, 1-based): chr3:12,584,565, C>G on the plus strand (G>C on the coding strand, the complement: RAF1 is on the minus strand). VCF-style: chr3-12584565-C-G. GRCh37 (hg19) VCF-style: chr3-12626064-C-G.
Other names: c.1956G>C, p.Glu652Asp (NM_001354689.3); c.1896G>C, p.Glu632Asp (NM_001354690.3); c.1653G>C, p.Glu551Asp (NM_001354691.3, NM_001354692.3); c.1797G>C, p.Glu599Asp (NM_001354693.3); c.1713G>C, p.Glu571Asp (NM_001354694.3); c.1554G>C, p.Glu518Asp (NM_001354695.3); short protein forms E551D, E518D, E571D, E599D, E632D, E652D.
Identifiers: ClinVar variation 2564931 (VCV002564931.2), dbSNP rs1160576234, ClinGen allele CA351495687.